The following is an entry in ClinVar:

ClinVar aggregate classification (germline): Uncertain significance (1 of 4 stars; one submission).

Submission:

Labcorp Genetics (formerly Invitae), Labcorp
Classification: Uncertain significance. Last evaluated: 2024-06-11. Review status: criteria provided, single submitter. Criteria: Invitae Variant Classification Sherloc (09022015). Collection method: clinical testing. Allele origin: germline.
Comment: This sequence change replaces isoleucine, which is neutral and non-polar, with valine, which is neutral and non-polar, at codon 181 of the GNAT1 protein (p.Ile181Val). This variant is not present in population databases (gnomAD no frequency). This variant has not been reported in the literature in individuals affected with GNAT1-related conditions. Advanced modeling of protein sequence and biophysical properties (such as structural, functional, and spatial information, amino acid conservation, physicochemical variation, residue mobility, and thermodynamic stability) performed at Invitae indicates that this missense variant is not expected to disrupt GNAT1 protein function with a negative predictive value of 80%. In summary, the available evidence is currently insufficient to determine the role of this variant in disease. Therefore, it has been classified as a Variant of Uncertain Significance.

NM_144499.3(GNAT1):c.541A>G (p.Ile181Val)

Gene: GNAT1 (G protein subunit alpha transducin 1; plus strand). Cytogenetic location: 3p21.31.
Variant type: single nucleotide variant.
Coding change: c.541A>G on transcript NM_144499.3 (MANE Select); coding-DNA position 541, A replaced by G.
Protein change: p.Ile181Val; replaces isoleucine 181 with valine.
Molecular consequence: missense variant.
Genome position (GRCh38, 1-based): chr3:50,193,844, A>G. VCF-style: chr3-50193844-A-G. GRCh37 (hg19) VCF-style: chr3-50231277-A-G.
Other names: c.541A>G, p.Ile181Val (NM_000172.4); short protein forms I181V.
Identifiers: ClinVar variation 3691939 (VCV003691939.2).
Genomic context (GRCh38, chr3:50,193,844, plus strand): 5'-CCGGGCTACGTGCCCACCGAGCAGGACGTGCTGCGCTCGCGAGTCAAGACCACTGGCATC[A>G]TCGAGACGCAGTTCTCCTTCAAGGATCTCAACTTCCGGTACGACCCATACGCTAGCCCAG-3'
Protein context (NP_653082.1, residues 171-191): LRSRVKTTGI[Ile181Val]ETQFSFKDLN